The following is an entry in ClinVar:

NM_000038.6(APC):c.4437C>T (p.Val1479=)

Gene: APC (APC regulator of Wnt signaling pathway; plus strand). Cytogenetic location: 5q22.2.
Variant type: single nucleotide variant.
Coding change: c.4437C>T on transcript NM_000038.6 (MANE Select); coding-DNA position 4437, C replaced by T.
Protein change: p.Val1479=; no amino-acid change (valine 1479 retained).
Molecular consequence: synonymous variant.
Genome position (GRCh38, 1-based): chr5:112,840,031, C>T. VCF-style: chr5-112840031-C-T. GRCh37 (hg19) VCF-style: chr5-112175728-C-T.
Other names: c.4437C>T, p.Val1479= (NM_001127510.3, NM_001354895.2); c.4383C>T, p.Val1461= (NM_001127511.3); c.4491C>T, p.Val1497= (NM_001354896.2); c.4467C>T, p.Val1489= (NM_001354897.2); c.4362C>T, p.Val1454= (NM_001354898.2); c.4353C>T, p.Val1451= (NM_001354899.2); c.4314C>T, p.Val1438= (NM_001354900.2); c.4260C>T, p.Val1420= (NM_001354901.2); and 5 more.
Identifiers: ClinVar variation 231541 (VCV000231541.17), dbSNP rs776622357, ClinGen allele CA10578374.

ClinVar aggregate classification (germline): Benign/Likely benign. Review status: criteria provided, multiple submitters, no conflicts (2 of 4 stars). 6 submissions from 6 submitters: Benign (1); Likely benign (5). Last evaluated 2025-12-09.

Conditions:
APC-related disorder. Also called: APC-related condition.
Classic or attenuated familial adenomatous polyposis. Identifiers: MedGen CN372698, MONDO:0021057.
Hereditary cancer-predisposing syndrome. Also called: Neoplastic Syndromes, Hereditary; Tumor predisposition; Hereditary Cancer Syndrome; Hereditary neoplastic syndrome. Identifiers: Orphanet 140162, MedGen C0027672, MeSH D009386, MONDO:0015356.
Familial adenomatous polyposis 1 (FAP1). Also called: FAMILIAL ADENOMATOUS POLYPOSIS 1, ATTENUATED; POLYPOSIS, ADENOMATOUS INTESTINAL. Identifiers: MedGen C2713442, MONDO:0021056, OMIM 175100. Disease mechanism: loss of function.

Allele frequency attached by ClinVar (database versions not stated): gnomAD 0.00001.
gnomAD v4.1: 2 of 1,613,942 alleles (0.00012%); highest among the groups gnomAD compares: African/African-American, 0.0027%; no homozygotes.

Submissions (6):

PreventionGenetics, part of Exact Sciences
Classification: Likely benign for APC-related condition. Last evaluated: 2025-12-09. Review status: criteria provided, single submitter. Criteria: ACMG Guidelines, 2015. Collection method: clinical testing. Allele origin: germline.
Comment: This variant is classified as likely benign based on ACMG/AMP sequence variant interpretation guidelines (Richards et al. 2015 PMID: 25741868, with internal and published modifications).

Labcorp Genetics (formerly Invitae), Labcorp
Classification: Likely benign for Familial adenomatous polyposis 1. Last evaluated: 2025-09-03. Review status: criteria provided, single submitter. Criteria: Invitae Variant Classification Sherloc (09022015). Collection method: clinical testing. Allele origin: germline.

Myriad Genetics, Inc.
Classification: Benign for Familial adenomatous polyposis 1. Last evaluated: 2024-03-26. Review status: criteria provided, single submitter. Criteria: Myriad Autosomal Dominant, Autosomal Recessive and X-Linked Classification Criteria (2023). Collection method: clinical testing. Allele origin: unknown.
Comment: This variant is considered benign. This variant is a silent/synonymous amino acid change and it is not expected to impact splicing.

All of Us Research Program, National Institutes of Health
Classification: Likely benign for Classic or attenuated familial adenomatous polyposis. Last evaluated: 2023-07-22. Review status: criteria provided, single submitter. Criteria: ACMG Guidelines, 2015. Collection method: clinical testing. Allele origin: germline. Inheritance: Autosomal dominant inheritance. Observed: 1 variant allele, 1 heterozygote.
Comment: This study involves interpretation of variants in research participants for the purpose of population health screening. Participant phenotype was not available at the time of variant classification. Additional details can be found in publication PMID: 35346344, PMCID: PMC8962531

GeneDx
Classification: Likely benign. Last evaluated: 2015-11-23. Review status: criteria provided, single submitter. Criteria: GeneDx Variant Classification (06012015). Collection method: clinical testing. Allele origin: germline. Affected: yes.
Comment: This variant is considered likely benign or benign based on one or more of the following criteria: it is a conservative change, it occurs at a poorly conserved position in the protein, it is predicted to be benign by multiple in silico algorithms, and/or has population frequency not consistent with disease.

Ambry Genetics
Classification: Likely benign for Hereditary cancer-predisposing syndrome. Last evaluated: 2015-04-20. Review status: criteria provided, single submitter. Criteria: Ambry Variant Classification Scheme 2023. Collection method: clinical testing. Allele origin: germline.